The following is an entry in ClinVar:

ClinVar aggregate classification (germline): Uncertain significance (1 of 4 stars; one submission).

Submission:

GeneDx
Classification: Uncertain significance. Last evaluated: 2025-02-20. Review status: criteria provided, single submitter. Criteria: GeneDx Variant Classification Process June 2021. Collection method: clinical testing. Allele origin: germline. Affected: yes.
Comment: Not observed at significant frequency in large population cohorts (gnomAD); In silico analysis supports that this missense variant has a deleterious effect on protein structure/function; Has not been previously published as pathogenic or benign to our knowledge

NM_173495.3(PTCHD1):c.2297A>G (p.Asp766Gly)

Gene: PTCHD1 (patched domain containing 1; plus strand). Cytogenetic location: Xp22.11.
Variant type: single nucleotide variant.
Coding change: c.2297A>G on transcript NM_173495.3 (MANE Select); coding-DNA position 2297, A replaced by G.
Protein change: p.Asp766Gly; replaces aspartic acid 766 with glycine.
Molecular consequence: missense variant.
Genome position (GRCh38, 1-based): chrX:23,393,815, A>G. VCF-style: chrX-23393815-A-G. GRCh37 (hg19) VCF-style: chrX-23411932-A-G.
Other names: short protein forms D766G.
Identifiers: ClinVar variation 4076636 (VCV004076636.1).
Genomic context (GRCh38, chrX:23,393,815, plus strand): 5'-AAGTAGAACTGGACTGCATTTCTGTGCTATGCTTAATTTATGGAATTAATTACACAATTG[A>G]CAATTGTGCTCCAATGTTATCCACATTTGTTCTGGGCAAGGATTTCACAAGAACTAAATG-3'
Protein context (NP_775766.2, residues 756-776): CLIYGINYTI[Asp766Gly]NCAPMLSTFV